The following is an entry in ClinVar:

ClinVar aggregate classification (germline): Uncertain significance. Review status: criteria provided, multiple submitters, no conflicts (2 of 4 stars). 3 submissions from 3 submitters: Uncertain significance (3). Last evaluated 2025-02-24.

Conditions:
SZT2-related disorder. Also called: SZT2-related condition.
Developmental and epileptic encephalopathy, 18 (DEE18). Also called: Early infantile epileptic encephalopathy 18. Identifiers: Orphanet 369894, MedGen C3809624, MONDO:0014201, OMIM 615476.

Allele frequency attached by ClinVar (database versions not stated): TOPMed below 0.00001; ExAC 0.00001; gnomAD 0.00001; ESP Exome Variant Server 0.00008; gnomAD exomes 0.00001 and 0.00002.
gnomAD v4.1: 34 of 1,610,350 alleles (0.0021%); highest among the groups gnomAD compares: Non-Finnish European, 0.0027%; no homozygotes.

Submissions (3):

Labcorp Genetics (formerly Invitae), Labcorp
Classification: Uncertain significance. Last evaluated: 2025-02-24. Review status: criteria provided, single submitter. Criteria: Invitae Variant Classification Sherloc (09022015). Collection method: clinical testing. Allele origin: germline.
Comment: This sequence change replaces serine, which is neutral and polar, with glycine, which is neutral and non-polar, at codon 1423 of the SZT2 protein (p.Ser1423Gly). This variant is present in population databases (rs142245402, gnomAD 0.002%). This variant has not been reported in the literature in individuals affected with SZT2-related conditions. ClinVar contains an entry for this variant (Variation ID: 1397481). Invitae Evidence Modeling of protein sequence and biophysical properties (such as structural, functional, and spatial information, amino acid conservation, physicochemical variation, residue mobility, and thermodynamic stability) indicates that this missense variant is not expected to disrupt SZT2 protein function with a negative predictive value of 80%. In summary, the available evidence is currently insufficient to determine the role of this variant in disease. Therefore, it has been classified as a Variant of Uncertain Significance.

Genome-Nilou Lab
Classification: Uncertain significance for Developmental and epileptic encephalopathy, 18. Last evaluated: 2023-04-11. Review status: criteria provided, single submitter. Criteria: ACMG Guidelines, 2015. Collection method: clinical testing. Allele origin: germline. Affected: no.

PreventionGenetics, part of Exact Sciences
Classification: Uncertain significance for SZT2-related condition. Last evaluated: 2022-12-22. Review status: criteria provided, single submitter. Criteria: ACMG Guidelines, 2015. Collection method: clinical testing. Allele origin: germline.
Comment: The SZT2 c.4267A>G variant is predicted to result in the amino acid substitution p.Ser1423Gly. To our knowledge, this variant has not been reported in the literature. This variant is reported in 0.0018% of alleles in individuals of European (Non-Finnish) descent in gnomAD. At this time, the clinical significance of this variant is uncertain due to the absence of conclusive functional and genetic evidence.

NM_001365999.1(SZT2):c.4438A>G (p.Ser1480Gly)

Gene: SZT2 (SZT2 subunit of KICSTOR complex; plus strand). Cytogenetic location: 1p34.2.
Variant type: single nucleotide variant.
Coding change: c.4438A>G on transcript NM_001365999.1 (MANE Select); coding-DNA position 4438, A replaced by G.
Protein change: p.Ser1480Gly; replaces serine 1480 with glycine.
Molecular consequence: missense variant.
Genome position (GRCh38, 1-based): chr1:43,430,347, A>G. VCF-style: chr1-43430347-A-G. GRCh37 (hg19) VCF-style: chr1-43896018-A-G.
Other names: c.4267A>G, p.Ser1423Gly (NM_015284.4); c.4267A>G (NM_015284.3); short protein forms S1480G, S1423G.
Identifiers: ClinVar variation 1397481 (VCV001397481.8), dbSNP rs142245402, ClinGen allele CA809294.